The following is an entry in ClinVar:

NM_001394372.1(BICRA):c.145C>T (p.Pro49Ser)

Gene: BICRA (BRD4 interacting chromatin remodeling complex associated protein; plus strand). Cytogenetic location: 19q13.33.
Variant type: single nucleotide variant.
Coding change: c.145C>T on transcript NM_001394372.1 (MANE Select); coding-DNA position 145, C replaced by T.
Protein change: p.Pro49Ser; replaces proline 49 with serine.
Molecular consequence: missense variant.
Genome position (GRCh38, 1-based): chr19:47,675,911, C>T. VCF-style: chr19-47675911-C-T. GRCh37 (hg19) VCF-style: chr19-48179168-C-T.
Other names: p.Pro49Ser; c.145C>T, p.Pro49Ser (NM_015711.3); c.145c>t (NM_015711.3); short protein forms P49S.
Identifiers: ClinVar variation 2430189 (VCV002430189.2), dbSNP rs1385590427, ClinGen allele CA406606475.

ClinVar aggregate classification (germline): Uncertain significance (1 of 4 stars; one submission).

Conditions:
Coffin-Siris syndrome 12. Identifiers: MedGen C5444111, MONDO:0025699, OMIM 619325.

Allele frequency attached by ClinVar (database versions not stated): gnomAD exomes below 0.00001.
gnomAD v4.1: 2 of 1,604,486 alleles (0.00012%); highest among the groups gnomAD compares: South Asian, 0.0022%; no homozygotes.

Submission:

Foundation for Research in Genetics and Endocrinology, FRIGE's Institute of Human Genetics
Classification: Uncertain significance for Coffin-Siris syndrome 12. Last evaluated: 2023-02-09. Review status: criteria provided, single submitter. Criteria: ACMG Guidelines, 2015. Collection method: clinical testing. Allele origin: germline. Inheritance: Autosomal dominant inheritance. Affected: yes. Observed: 1 heterozygote.
Comment: A heterozygous missense variation in exon5 of the BICRA gene that results in the amino acid substitution of Serine for proline at codon 49 (p.Pro49Ser) was detected. The variant has not been reported in the 1000 genomes and gnomAD database. The in silico prediction of the variant is benign by PolyPhen-2 (HumDiv), SIFT, and MutationTaster2. The reference codon is conserved across species. In summary, the variant meets our criteria to be classified as variant of uncertain significance.